The following is an entry in ClinVar:

NM_000503.6(EYA1):c.950del (p.Pro317fs)

Gene: EYA1 (EYA transcriptional coactivator and phosphatase 1; minus strand). Cytogenetic location: 8q13.3.
Variant type: Deletion.
Coding change: c.950del on transcript NM_000503.6 (MANE Select); coding-DNA position 950, one base deleted (C; older notation c.950delC).
Protein change: p.Pro317fs; shifts the reading frame from proline 317.
Molecular consequence: frameshift variant.
Genome position (GRCh38, 1-based): chr8:71,271,774, G deleted on the plus strand (C on the coding strand, the reverse complement: EYA1 is on the minus strand); the first of 5 consecutive G bases (chr8:71,271,774-71,271,778); deleting any one gives the same sequence. VCF-style (leftmost placement, unchanged base first): chr8-71271773-TG-T. GRCh37 (hg19) VCF-style: chr8-72184008-TG-T.
Other names: c.932del, p.Pro311fs (NM_001288574.2); c.584del, p.Pro195fs (NM_001288575.2); c.1037del, p.Pro346fs (NM_001370333.1); c.950del, p.Pro317fs (NM_001370334.1, NM_001370335.1, NM_172058.4); c.1019del, p.Pro340fs (NM_001370336.1); c.847delC, p.Pro284Glnfs (NM_001411797.1, NM_172060.4); c.1022del, p.Pro341fs (NM_172059.5); short protein forms P340fs, P346fs, P195fs, P311fs, P317fs, P341fs.
Identifiers: ClinVar variation 2111414 (VCV002111414.4), dbSNP rs2538053242, ClinGen allele CA2580078926.
Genomic context (GRCh38, chr8:71,271,773, plus strand): 5'-TATTAAGACACCTTTCTATTCACTTGGGTGTTGGCTATGACGTACCTCAAGATCAGAATC[TG>T]GGGGAGGTGAAGGATTATTGTTTCTTCGGCCCCGTCCACGTGATTTCCCATCTGAACCTC-3'

ClinVar aggregate classification (germline): Pathogenic (1 of 4 stars; one submission).

Conditions:
Melnick-Fraser syndrome (BOR). Also called: Branchio-oto-renal syndrome; Branchiootorenal Syndrome (BORS); Branchiootorenal syndrome. Identifiers: Orphanet 107, MedGen C0265234, MONDO:0007029.

Submission:

Labcorp Genetics (formerly Invitae), Labcorp
Classification: Pathogenic for Melnick-Fraser syndrome. Last evaluated: 2022-03-13. Review status: criteria provided, single submitter. Criteria: Invitae Variant Classification Sherloc (09022015). Collection method: clinical testing. Allele origin: germline.
Comment: This sequence change creates a premature translational stop signal (p.Pro317Glnfs*49) in the EYA1 gene. It is expected to result in an absent or disrupted protein product. Loss-of-function variants in EYA1 are known to be pathogenic (PMID: 10464653, 18220287). For these reasons, this variant has been classified as Pathogenic. This variant has not been reported in the literature in individuals affected with EYA1-related conditions. This variant is not present in population databases (gnomAD no frequency).

Literature cited by the submitters: PubMed 10464653; PubMed 18220287.